The following is an entry in ClinVar:

ClinVar aggregate classification (germline): Uncertain significance (1 of 4 stars; one submission).

Conditions:
Hereditary cancer-predisposing syndrome. Also called: Tumor predisposition; Neoplastic Syndromes, Hereditary; Hereditary neoplastic syndrome; Hereditary Cancer Syndrome. Identifiers: Orphanet 140162, MedGen C0027672, MeSH D009386, MONDO:0015356.

Submission:

Ambry Genetics
Classification: Uncertain significance for Hereditary cancer-predisposing syndrome. Last evaluated: 2024-06-30. Review status: criteria provided, single submitter. Criteria: Ambry Variant Classification Scheme 2023. Collection method: clinical testing. Allele origin: germline.
Comment: The p.S139T variant (also known as c.416G>C), located in coding exon 3 of the XRCC2 gene, results from a G to C substitution at nucleotide position 416. The serine at codon 139 is replaced by threonine, an amino acid with similar properties. This amino acid position is conserved. In addition, this alteration is predicted to be tolerated by in silico analysis. Based on the available evidence, the clinical significance of this variant remains unclear.

NM_005431.2(XRCC2):c.416G>C (p.Ser139Thr)

Gene: XRCC2 (X-ray repair cross complementing 2; minus strand). Cytogenetic location: 7q36.1.
Variant type: single nucleotide variant.
Coding change: c.416G>C on transcript NM_005431.2 (MANE Select); coding-DNA position 416, G replaced by C.
Protein change: p.Ser139Thr; replaces serine 139 with threonine.
Molecular consequence: missense variant.
Genome position (GRCh38, 1-based): chr7:152,649,069, C>G on the plus strand (G>C on the coding strand, the complement: XRCC2 is on the minus strand). VCF-style: chr7-152649069-C-G. GRCh37 (hg19) VCF-style: chr7-152346154-C-G.
Other names: short protein forms S139T.
Identifiers: ClinVar variation 3471455 (VCV003471455.1).